The following is an entry in ClinVar:

ClinVar aggregate classification (germline): Uncertain significance. Review status: criteria provided, single submitter (1 of 4 stars). 2 submissions from 2 submitters: Uncertain significance (1). 1 of the submissions does not count toward it. Last evaluated 2021-08-31.

Conditions:
Alpha thalassemia-X-linked intellectual disability syndrome (ATRX). Also called: ALPHA-THALASSEMIA/MENTAL RETARDATION SYNDROME, X-LINKED; ATR, NONDELETION TYPE; ATR-X syndrome; Alpha thalassemia mental retardation syndrome, nondeletion type, X-linked; XLMR hypotonic face syndrome; X-linked alpha-thalassemia-mental retardation syndrome. Identifiers: Orphanet 847, MedGen C1845055, MONDO:0010519, OMIM 301040.

Allele frequency attached by ClinVar (database versions not stated): gnomAD 0.00001; TOPMed below 0.00001; gnomAD exomes below 0.00001.
gnomAD v4.1: 3 of 1,207,858 alleles (0.00025%); highest among the groups gnomAD compares: Non-Finnish European, 0.00022%; no homozygotes.

Submissions (2):

Labcorp Genetics (formerly Invitae), Labcorp
Classification: Uncertain significance for Alpha thalassemia-X-linked intellectual disability syndrome. Last evaluated: 2021-08-31. Review status: criteria provided, single submitter. Criteria: Invitae Variant Classification Sherloc (09022015). Collection method: clinical testing. Allele origin: germline.
Comment: This sequence change replaces histidine with tyrosine at codon 493 of the ATRX protein (p.His493Tyr). The histidine residue is moderately conserved and there is a moderate physicochemical difference between histidine and tyrosine. This variant is not present in population databases (ExAC no frequency). This variant has not been reported in the literature in individuals affected with ATRX-related conditions. Algorithms developed to predict the effect of missense changes on protein structure and function are either unavailable or do not agree on the potential impact of this missense change (SIFT: "Deleterious"; PolyPhen-2: "Benign"; Align-GVGD: "Class C0"). In summary, the available evidence is currently insufficient to determine the role of this variant in disease. Therefore, it has been classified as a Variant of Uncertain Significance.

Natera, Inc.
Classification: Uncertain significance for X-linked alpha-thalassemia-mental retardation syndrome. Last evaluated: 2021-08-27. Review status: no assertion criteria provided. Collection method: clinical testing. Allele origin: germline. Not counted in ClinVar's aggregate classification.

NM_000489.6(ATRX):c.1477C>T (p.His493Tyr)

Gene: ATRX (ATRX chromatin remodeler; minus strand). Cytogenetic location: Xq21.1.
Variant type: single nucleotide variant.
Coding change: c.1477C>T on transcript NM_000489.6 (MANE Select); coding-DNA position 1477, C replaced by T.
Protein change: p.His493Tyr; replaces histidine 493 with tyrosine.
Molecular consequence: missense variant.
Genome position (GRCh38, 1-based): chrX:77,683,779, G>A on the plus strand (C>T on the coding strand, the complement: ATRX is on the minus strand). VCF-style: chrX-77683779-G-A. GRCh37 (hg19) VCF-style: chrX-76939271-G-A.
Other names: c.1363C>T, p.His455Tyr (NM_138270.5); short protein forms H455Y, H493Y.
Identifiers: ClinVar variation 1041450 (VCV001041450.10), dbSNP rs1041529012, ClinGen allele CA331569048.